The following is an entry in ClinVar:

NM_024818.6(UBA5):c.740_742del (p.Glu247del)

Genes: NPHP3-ACAD11 (NPHP3-ACAD11 readthrough (NMD candidate); minus strand), UBA5 (ubiquitin like modifier activating enzyme 5; plus strand). Cytogenetic location: 3q22.1.
Variant type: Deletion.
Coding change: c.740_742del on transcript NM_024818.6 (MANE Select); coding-DNA positions 740 to 742, 3 bases deleted (AAG; older notation c.740_742delAAG).
Protein change: p.Glu247del; deletes glutamic acid 247.
Molecular consequence: inframe deletion.
Genome position (GRCh38, 1-based): chr3:132,672,105-132,672,107, AAG deleted; deleting any 3 consecutive bases within chr3:132,672,103-132,672,107 gives the same sequence; the c. name uses the placement nearest the transcript's 3' end. VCF-style (leftmost placement, unchanged base first): chr3-132672102-GAGA-G. GRCh37 (hg19) VCF-style: chr3-132390946-GAGA-G.
Other names: c.572_574del, p.Glu191del (NM_001320210.2, NM_198329.4); c.470_472del, p.Glu157del (NM_001321238.2); c.404_406del, p.Glu135del (NM_001321239.1); short protein forms E247del, E191del, E157del, E135del.
Identifiers: ClinVar variation 1356837 (VCV001356837.5), dbSNP rs766539267, ClinGen allele CA2621448.
Genomic context (GRCh38, chr3:132,672,102, plus strand): 5'-TCATGTAGTGTGCTCCACCACTTGTAGTTGCTGCAAATATTGATGAAAAGACTCTGAAAC[GAGA>G]AGGTGTTTGTGCAGCCAGTCTTCCTACCACTATGGGTGTGGTTGCTGGGATCTTAGTACA-3'

ClinVar aggregate classification (germline): Uncertain significance (1 of 4 stars; one submission).

Submission:

Labcorp Genetics (formerly Invitae), Labcorp
Classification: Uncertain significance. Last evaluated: 2021-09-17. Review status: criteria provided, single submitter. Criteria: Invitae Variant Classification Sherloc (09022015). Collection method: clinical testing. Allele origin: germline.
Comment: This variant, c.740_742del, results in the deletion of 1 amino acid(s) of the UBA5 protein (p.Glu247del), but otherwise preserves the integrity of the reading frame. This variant is present in population databases (rs766539267, ExAC 0.01%). This variant has not been reported in the literature in individuals with UBA5-related conditions. Experimental studies and prediction algorithms are not available or were not evaluated, and the functional significance of this variant is currently unknown. In summary, the available evidence is currently insufficient to determine the role of this variant in disease. Therefore, it has been classified as a Variant of Uncertain Significance.